The following is an entry in ClinVar:

ClinVar aggregate classification (germline): Likely pathogenic (1 of 4 stars; one submission).

Submission:

GeneDx
Classification: Likely pathogenic. Last evaluated: 2023-06-13. Review status: criteria provided, single submitter. Criteria: GeneDx Variant Classification Process June 2021. Collection method: clinical testing. Allele origin: germline. Affected: yes.
Comment: Has not been previously published as pathogenic or benign to our knowledge; Not observed at significant frequency in large population cohorts (gnomAD); In silico analysis supports that this missense variant has a deleterious effect on protein structure/function

NM_002049.4(GATA1):c.598G>A (p.Glu200Lys)

Gene: GATA1 (GATA binding protein 1; plus strand). Cytogenetic location: Xp11.23.
Variant type: single nucleotide variant.
Coding change: c.598G>A on transcript NM_002049.4 (MANE Select); coding-DNA position 598, G replaced by A.
Protein change: p.Glu200Lys; replaces glutamic acid 200 with lysine.
Molecular consequence: missense variant.
Genome position (GRCh38, 1-based): chrX:48,792,221, G>A. VCF-style: chrX-48792221-G-A. GRCh37 (hg19) VCF-style: chrX-48650628-G-A.
Other names: short protein forms E200K.
Identifiers: ClinVar variation 2504848 (VCV002504848.1), dbSNP rs2519344939, ClinGen allele CA412870213.